The following is an entry in ClinVar:

ClinVar aggregate classification (germline): Likely benign. Review status: criteria provided, multiple submitters, no conflicts (2 of 4 stars). 2 submissions from 2 submitters: Likely benign (2). Last evaluated 2026-06-23.

Conditions:
FGFR3-related chondrodysplasia. Identifiers: Orphanet 93420, MedGen C5681604, MONDO:0019685.

Allele frequency attached by ClinVar (database versions not stated): TOPMed 0.00003; ExAC 0.00052; gnomAD 0.00004 and 0.00001; gnomAD exomes 0.00006; 1000 Genomes Project 30x 0.00031; 1000 Genomes Project 0.00040.
gnomAD v4.1: 75 of 1,419,618 alleles (0.0053%); highest among the groups gnomAD compares: East Asian, 0.21%; no homozygotes.

Submissions (2):

Genomenon, Inc
Classification: Likely benign for FGFR3-related chondrodysplasia. Last evaluated: 2026-06-23. Review status: criteria provided, single submitter. Criteria: Genomenon Sequence Variant Interpretation Standards - Updated. Collection method: curation. Allele origin: germline. Affected: no.
Comment: FGFR3 p.Gln29His (c.87G>C) is a missense variant that changes the amino acid at codon 29 from Glutamine to Histidine. This variant has been reported in the published literature (PMID:29334678;30403900;28768959;39161208;35402233). This variant’s allele frequency in gnomAD is greater than expected for this disorder. In silico models predict that this variant is not damaging. In conclusion, we classify FGFR3 p.Gln29His (c.87G>C) as a likely benign variant.

Labcorp Genetics (formerly Invitae), Labcorp
Classification: Likely benign. Last evaluated: 2025-09-14. Review status: criteria provided, single submitter. Criteria: Invitae Variant Classification Sherloc (09022015). Collection method: clinical testing. Allele origin: germline.

Literature cited by the submitters: PubMed 29334678 (cited by Genomenon, Inc); PubMed 30403900 (cited by Genomenon, Inc); PubMed 28768959 (cited by Genomenon, Inc); PubMed 39161208 (cited by Genomenon, Inc); PubMed 35402233 (cited by Genomenon, Inc).

NM_000142.5(FGFR3):c.87G>C (p.Gln29His)

Gene: FGFR3 (fibroblast growth factor receptor 3; plus strand). Cytogenetic location: 4p16.3.
Variant type: single nucleotide variant.
Coding change: c.87G>C on transcript NM_000142.5 (MANE Select); coding-DNA position 87, G replaced by C.
Protein change: p.Gln29His; replaces glutamine 29 with histidine.
Molecular consequence: missense variant. On other transcripts: non-coding transcript variant (1).
Genome position (GRCh38, 1-based): chr4:1,794,021, G>C. VCF-style: chr4-1794021-G-C. GRCh37 (hg19) VCF-style: chr4-1795748-G-C.
Other names: c.87G>C, p.Gln29His (NM_001163213.2, NM_001354809.2, NM_001354810.2 and 1 more transcripts); short protein forms Q29H.
Identifiers: ClinVar variation 1679982 (VCV001679982.9), dbSNP rs553265665, ClinGen allele CA2809686.